The following is an entry in ClinVar:

ClinVar aggregate classification (germline): Conflicting classifications of pathogenicity. Review status: criteria provided, conflicting classifications (1 of 4 stars). 2 submissions from 2 submitters: Uncertain significance (1); Likely benign (1). Last evaluated 2024-04-03.

Conditions:
PKD1-related disorder. Also called: PKD1-related condition.
Polycystic kidney disease, adult type (PKD1). Also called: POLYCYSTIC KIDNEY DISEASE 1 WITH OR WITHOUT POLYCYSTIC LIVER DISEASE; Polycystic Kidney Disease 1, Autosomal Dominant; Polycystic kidney disease 1; Polycystic kidney disease 1, severe; Polycystic Kidney, Autosomal Dominant; POLYCYSTIC KIDNEY DISEASE, ADULT, TYPE I. Identifiers: MedGen C3149841, MONDO:0008263, OMIM 173900.

Allele frequency attached by ClinVar (database versions not stated): ExAC 0.00003; gnomAD 0.00003; gnomAD exomes 0.00003; TOPMed 0.00003; ESP Exome Variant Server 0.00016.
gnomAD v4.1: 47 of 1,608,240 alleles (0.0029%); highest among the groups gnomAD compares: African/African-American, 0.0067%; 1 homozygote.

Submissions (2):

Fulgent Genetics
Classification: Likely benign for Polycystic kidney disease, adult type. Last evaluated: 2024-04-03. Review status: criteria provided, single submitter. Criteria: ACMG Guidelines, 2015. Collection method: clinical testing. Allele origin: germline.

PreventionGenetics, part of Exact Sciences
Classification: Uncertain significance for PKD1-related condition. Last evaluated: 2023-05-26. Review status: criteria provided, single submitter. Criteria: ACMG Guidelines, 2015. Collection method: clinical testing. Allele origin: germline.
Comment: The PKD1 c.5699C>T variant is predicted to result in the amino acid substitution p.Ala1900Val. To our knowledge, this variant has not been reported in the literature. This variant is reported in 0.0068% of alleles in individuals of African descent in gnomAD. At this time, the clinical significance of this variant is uncertain due to the absence of conclusive functional and genetic evidence.

NM_001009944.3(PKD1):c.5699C>T (p.Ala1900Val)

Gene: PKD1 (polycystin 1, transient receptor potential channel interacting; minus strand). Cytogenetic location: 16p13.3.
Variant type: single nucleotide variant.
Coding change: c.5699C>T on transcript NM_001009944.3 (MANE Select); coding-DNA position 5699, C replaced by T.
Protein change: p.Ala1900Val; replaces alanine 1900 with valine.
Molecular consequence: missense variant.
Genome position (GRCh38, 1-based): chr16:2,109,468, G>A on the plus strand (C>T on the coding strand, the complement: PKD1 is on the minus strand). VCF-style: chr16-2109468-G-A. GRCh37 (hg19) VCF-style: chr16-2159469-G-A.
Other names: c.5699C>T, p.Ala1900Val (NM_000296.4); short protein forms A1900V.
Identifiers: ClinVar variation 2632296 (VCV002632296.2), dbSNP rs140902597, ClinGen allele CA7831892.